The following is an entry in ClinVar:

NM_001267550.2(TTN):c.50912del (p.Lys16971fs)

Genes: TTN (titin; minus strand), TTN-AS1 (TTN antisense RNA 1; plus strand). Cytogenetic location: 2q31.2.
Variant type: Deletion.
Coding change: c.50912del on transcript NM_001267550.2 (MANE Select); coding-DNA position 50912, one base deleted (A; older notation c.50912delA).
Protein change: p.Lys16971fs; shifts the reading frame from lysine 16971.
Molecular consequence: frameshift variant.
Genome position (GRCh38, 1-based): chr2:178,611,217, T deleted on the plus strand (A on the coding strand, the reverse complement: TTN is on the minus strand); the first of 4 consecutive T bases (chr2:178,611,217-178,611,220); deleting any one gives the same sequence. VCF-style (leftmost placement, unchanged base first): chr2-178611216-CT-C. GRCh37 (hg19) VCF-style: chr2-179475943-CT-C.
Other names: c.23717delA (NM_003319.4); c.45989del, p.Lys15330fs (NM_001256850.1); c.23717del, p.Lys7906fs (NM_003319.4); c.43208del, p.Lys14403fs (NM_133378.4); c.24092del, p.Lys8031fs (NM_133432.3); c.24293del, p.Lys8098fs (NM_133437.4); short protein forms K14403fs, K8098fs, K15330fs, K8031fs, K16971fs, K7906fs.
Identifiers: ClinVar variation 4615331 (VCV004615331.1).
Genomic context (GRCh38, chr2:178,611,216, plus strand): 5'-ATCTTTATGCCAACTAACAGTTGGAACTGGGACAGCTCTGAAGGGAACAGGAATGCTTAA[CT>C]TTTCACCTTCAATAACAATAATGTCATGAGTCTCCAGGTCAATTGTTGGCTTGCCTGTAA-3'

ClinVar aggregate classification (germline): Likely pathogenic (1 of 4 stars; one submission).

Conditions:
Cardiovascular phenotype. Identifiers: MedGen CN230736.

Submission:

Ambry Genetics
Classification: Likely pathogenic for Cardiovascular phenotype. Last evaluated: 2025-10-15. Review status: criteria provided, single submitter. Criteria: Ambry Variant Classification Scheme 2023. Collection method: clinical testing. Allele origin: germline.
Comment: The c.23717delA variant, located in coding exon 97 of the TTN gene, results from a deletion of one nucleotide at nucleotide position 23717, causing a translational frameshift with a predicted alternate stop codon (p.K7906Sfs*2). This exon is located in the A-band region of the N2-B isoform of the titin protein and is constitutively expressed in TTN transcripts (percent spliced in or PSI 100%). This variant is expected to result in loss of function by premature protein truncation or nonsense-mediated mRNA decay. While truncating variants in TTN are present in 1-3% of the general population, truncating variants in the A-band are the most common cause of dilated cardiomyopathy (Herman DS et al. N. Engl. J. Med., 2012 Feb;366:619-28; Roberts AM et al. Sci Transl Med, 2015 Jan;7:270ra6). TTN truncating variants encoded in constitutive exons (PSI >90%) have been found to be significantly associated with DCM regardless of their position in titin (Schafer S et al. Nat. Genet., 2017 01;49:46-53; Akhtar MM et al. Circ Heart Fail, 2020 Oct;13:e006832; Massier M et al. Clin Genet, 2025 Jan). This variant is considered to be rare based on population cohorts in the Genome Aggregation Database (gnomAD). Based on the majority of available evidence to date, this variant is likely to be pathogenic.